The following is an entry in ClinVar:

ClinVar aggregate classification (germline): Uncertain significance. Review status: criteria provided, multiple submitters, no conflicts (2 of 4 stars). 2 submissions from 2 submitters: Uncertain significance (2). Last evaluated 2025-08-01.

Conditions:
Inborn genetic diseases. Identifiers: MedGen C0950123, MeSH D030342.

Allele frequency attached by ClinVar (database versions not stated): gnomAD 0.00003; TOPMed 0.00003; ExAC 0.00007; ESP Exome Variant Server 0.00015.

Submissions (2):

GeneDx
Classification: Uncertain significance. Last evaluated: 2025-08-01. Review status: criteria provided, single submitter. Criteria: GeneDx Variant Classification Process June 2021. Collection method: clinical testing. Allele origin: germline. Affected: yes.
Comment: Not observed at significant frequency in large population cohorts (gnomAD); In silico analysis supports that this missense variant has a deleterious effect on protein structure/function; Has not been previously published as pathogenic or benign to our knowledge

Ambry Genetics
Classification: Uncertain significance for Inborn genetic diseases. Last evaluated: 2021-05-16. Review status: criteria provided, single submitter. Criteria: Ambry Variant Classification Scheme 2023. Collection method: clinical testing. Allele origin: germline.

NM_152416.4(NDUFAF6):c.202C>T (p.Arg68Trp)

Gene: NDUFAF6 (NADH:ubiquinone oxidoreductase complex assembly factor 6; plus strand). Cytogenetic location: 8q22.1.
Variant type: single nucleotide variant.
Coding change: c.202C>T on transcript NM_152416.4 (MANE Select); coding-DNA position 202, C replaced by T.
Protein change: p.Arg68Trp; replaces arginine 68 with tryptophan.
Molecular consequence: missense variant. On other transcripts: 5 prime UTR variant (17), non-coding transcript variant (6), intron variant (1).
Genome position (GRCh38, 1-based): chr8:95,031,999, C>T. VCF-style: chr8-95031999-C-T. GRCh37 (hg19) VCF-style: chr8-96044227-C-T.
Other names: c.-79C>T (NM_001330582.2, NM_001354514.2, NM_001354515.2 and 1 more transcripts); c.46C>T, p.Arg16Trp (NM_001354516.2); c.-251C>T (NM_001354518.2); c.-247C>T (NM_001354519.2); c.-379C>T (NM_001354522.2, NM_001354529.2); c.-452C>T (NM_001354524.2, NM_001354525.2); c.-596C>T (NM_001354527.2); c.-567C>T (NM_001354528.2); and 6 more; short protein forms R68W, R16W.
Identifiers: ClinVar variation 2386584 (VCV002386584.3), dbSNP rs372973430, ClinGen allele CA4814706.